The following is an entry in ClinVar:

NM_018896.5(CACNA1G):c.3730C>A (p.Leu1244Ile)

Gene: CACNA1G (calcium voltage-gated channel subunit alpha1 G; plus strand). Cytogenetic location: 17q21.33.
Variant type: single nucleotide variant.
Coding change: c.3730C>A on transcript NM_018896.5 (MANE Select); coding-DNA position 3730, C replaced by A.
Protein change: p.Leu1244Ile; replaces leucine 1244 with isoleucine.
Molecular consequence: missense variant. On other transcripts: non-coding transcript variant (5).
Genome position (GRCh38, 1-based): chr17:50,600,765, C>A. VCF-style: chr17-50600765-C-A. GRCh37 (hg19) VCF-style: chr17-48678126-C-A.
Other names: c.3730C>A, p.Leu1244Ile (NM_001256325.2, NM_001256326.2, NM_001256327.2 and 16 more transcripts); c.3661C>A, p.Leu1221Ile (NM_001256332.2, NM_198376.3, NM_198379.3 and 5 more transcripts); short protein forms L1221I, L1244I.
Identifiers: ClinVar variation 3364317 (VCV003364317.1).
Genomic context (GRCh38, chr17:50,600,765, plus strand): 5'-ACTCCAGTGTTTGTTCTGCAGAGCAAAGGGGAACGGGTCCGCGCGTGGATCCGAGCCCGA[C>A]TCCCTGCCTGCTGCCTCGAGCGAGACTCCTGGTCAGCCTACATCTTCCCTCCTCAGTCCA-3'
Protein context (NP_061496.2, residues 1234-1254): ERVRAWIRAR[Leu1244Ile]PACCLERDSW

ClinVar aggregate classification (germline): Uncertain significance (1 of 4 stars; one submission).

gnomAD v4.1: 3 of 1,613,770 alleles (0.00019%); highest among the groups gnomAD compares: East Asian, 0.0067%; no homozygotes.

Submission:

GeneDx
Classification: Uncertain significance. Last evaluated: 2023-11-15. Review status: criteria provided, single submitter. Criteria: GeneDx Variant Classification Process June 2021. Collection method: clinical testing. Allele origin: germline. Affected: yes.
Comment: Not observed at significant frequency in large population cohorts (gnomAD); In silico analysis supports that this missense variant does not alter protein structure/function; Has not been previously published as pathogenic or benign to our knowledge